The following is an entry in ClinVar:

NM_004006.3(DMD):c.1045G>T (p.Glu349Ter)

Gene: DMD (dystrophin; minus strand). Cytogenetic location: Xp21.1.
Variant type: single nucleotide variant.
Coding change: c.1045G>T on transcript NM_004006.3 (MANE Select); coding-DNA position 1045, G replaced by T.
Protein change: p.Glu349Ter; replaces glutamic acid 349 with a stop codon.
Molecular consequence: nonsense.
Genome position (GRCh38, 1-based): chrX:32,645,068, C>A on the plus strand (G>T on the coding strand, the complement: DMD is on the minus strand). VCF-style: chrX-32645068-C-A. GRCh37 (hg19) VCF-style: chrX-32663185-C-A.
Other names: c.1021G>T, p.Glu341Ter (NM_000109.4); c.1033G>T, p.Glu345Ter (NM_004009.3); c.676G>T, p.Glu226Ter (NM_004010.3); short protein forms E226*, E341*, E345*, E349*.
Identifiers: ClinVar variation 5038449 (VCV005038449.1).

ClinVar aggregate classification (germline): Likely pathogenic (1 of 4 stars; one submission).

Conditions:
Duchenne muscular dystrophy (DMD). Also called: Duchenne Muscular Dystrophy (DMD); MUSCULAR DYSTROPHY, PSEUDOHYPERTROPHIC PROGRESSIVE, DUCHENNE TYPE. Identifiers: Orphanet 98896, MedGen C0013264, MONDO:0010679, OMIM 310200.

Submission:

Center of Excellence of Human Genetics, National Research Center
Classification: Likely pathogenic for Duchenne muscular dystrophy. Review status: criteria provided, single submitter. Criteria: ACMG Guidelines, 2015. Collection method: clinical testing. Allele origin: germline. Affected: yes.
Comment: the variant c.1045G>T p.E349* in DMD is annotated as a stop gained variant impacting exon 10 of DMD, with a CADD score of 37.0. The variant has been classified, according to ACMG/AMP criteria, as likely pathogenic

Literature cited by the submitters: PubMed 38415938.